The following is an entry in ClinVar:

NM_000138.5(FBN1):c.305G>A (p.Cys102Tyr)

Gene: FBN1 (fibrillin 1; minus strand). Cytogenetic location: 15q21.1.
Variant type: single nucleotide variant.
Coding change: c.305G>A on transcript NM_000138.5 (MANE Select); coding-DNA position 305, G replaced by A.
Protein change: p.Cys102Tyr; replaces cysteine 102 with tyrosine.
Molecular consequence: missense variant.
Genome position (GRCh38, 1-based): chr15:48,610,769, C>T on the plus strand (G>A on the coding strand, the complement: FBN1 is on the minus strand). VCF-style: chr15-48610769-C-T. GRCh37 (hg19) VCF-style: chr15-48902966-C-T.
Other names: short protein forms C102Y.
Identifiers: ClinVar variation 1687724 (VCV001687724.3), dbSNP rs794728292, ClinGen allele CA392446961.

ClinVar aggregate classification (germline): Likely pathogenic. Review status: criteria provided, multiple submitters, no conflicts (2 of 4 stars). 2 submissions from 2 submitters: Likely pathogenic (2). Last evaluated 2025-09-13.

Conditions:
Familial thoracic aortic aneurysm and aortic dissection (TAAD). Also called: Thoracic aortic aneurysms and dissections. Identifiers: Orphanet 91387, MedGen C4707243, MONDO:0019625.
Marfan syndrome (MFS). Also called: Marfan syndrome, classic; MARFAN SYNDROME, TYPE I; Marfan syndrome type 1; Marfan's syndrome; FBN1-Related Marfan Syndrome. Identifiers: Orphanet 284963, Orphanet 558, MedGen C0024796, MONDO:0007947, OMIM 154700.

Submissions (2):

Color Diagnostics, LLC DBA Color Health
Classification: Likely pathogenic for Familial thoracic aortic aneurysm and aortic dissection. Last evaluated: 2025-09-13. Review status: criteria provided, single submitter. Criteria: ACMG Guidelines, 2015. Collection method: clinical testing. Allele origin: germline.
Comment: This missense variant replaces cysteine with tyrosine at codon 102 of the FBN1 protein. This variant disrupts disrupts a conserved cysteine residue in the EGF-like motif 1. Cysteine-disrupting variants in the EGF-like domains have been shown to affect protein stability and are overrepresented among patients with Marfan syndrome (PMID: 15161917, 16571647, 17701892). Computational prediction suggests that this variant may have deleterious impact on protein structure and function. To our knowledge, functional studies have not been reported for this variant. This variant has been reported to segregate with ectopia lentis syndrome in three first-degree relatives (PMID: 26558191). This variant has not been identified in the general population by the Genome Aggregation Database (gnomAD). A different missense variant occurring at the same codon, p.Cys102Trp, is known to cause disease (ClinVar variation ID: 2922003), indicating functional and clinical importance of this position. Based on the available evidence, this p.Cys102Tyr variant is classified as Likely Pathogenic.

National Institute of Allergy and Infectious Diseases - Centralized Sequencing Program, National Institutes of Health
Classification: Likely pathogenic for Marfan syndrome. Last evaluated: 2021-08-06. Review status: criteria provided, single submitter. Criteria: ACMG Guidelines, 2015. Collection method: clinical testing. Allele origin: germline. Affected: yes.

Literature cited by the submitters: PubMed 15161917 (cited by Color Diagnostics, LLC DBA Color Health); PubMed 16571647 (cited by Color Diagnostics, LLC DBA Color Health); PubMed 17701892 (cited by Color Diagnostics, LLC DBA Color Health); PubMed 26558191 (cited by Color Diagnostics, LLC DBA Color Health).